The following is an entry in ClinVar:

NM_001035.3(RYR2):c.512_514del (p.Glu171del)

Gene: RYR2 (ryanodine receptor 2; plus strand). Cytogenetic location: 1q43.
Variant type: Deletion.
Coding change: c.512_514del on transcript NM_001035.3 (MANE Select); coding-DNA positions 512 to 514, 3 bases deleted (AAG; older notation c.512_514delAAG).
Protein change: p.Glu171del; deletes glutamic acid 171.
Molecular consequence: inframe deletion.
Genome position (GRCh38, 1-based): chr1:237,377,371-237,377,373, AAG deleted; deleting any 3 consecutive bases within chr1:237,377,369-237,377,373 gives the same sequence; the c. name uses the placement nearest the transcript's 3' end. VCF-style (leftmost placement, unchanged base first): chr1-237377368-CAGA-C. GRCh37 (hg19) VCF-style: chr1-237540668-CAGA-C.
Other names: c.512_514del, p.Glu171del (LRG_402t1); short protein forms E171del.
Identifiers: ClinVar variation 201367 (VCV000201367.2), dbSNP rs794728812, ClinGen allele CA009784.
Genomic context (GRCh38, chr1:237,377,368, plus strand): 5'-TCCGTATATCTGCAGGGGAGGCTTGTTGGTGGACCATACACCCTGCCTCTAAGCAGCGAT[CAGA>C]AGGAGAAAAAGTACGAGTTGGAGATGACCTCATCTTAGTTAGCGTGTCCTCTGAAAGGTA-3'

ClinVar aggregate classification (germline): Likely pathogenic (1 of 4 stars; one submission).

Submission:

GeneDx
Classification: Likely pathogenic. Last evaluated: 2017-02-07. Review status: criteria provided, single submitter. Criteria: GeneDx Variant Classification (06012015). Collection method: clinical testing. Allele origin: germline. Affected: yes.
Comment: The c.512_514delAAG variant in the RYR2 gene has not been reported previously as a pathogenic variant or as a benign polymorphism, to our knowledge. The c.512_514delAAG variant results in a deletion of a single Glutamic acid residue in the N-terminal region of the protein, which is part of the conserved MIR domain. This region is one of the mutation hotspots of RYR2, and several pathogenic variants have been reported in neighboring codons (Pro164Ser, Arg169Gln, Arg176Gln, Val186Met) (Medeiros-Domingo A et al., 2009). The Glu171 residue is highly conserved throughout evolution, and in silico analysis predicts c.512_514delAAG to be damaging to the protein structure/function. Additionally, another in-frame deletion (p.Asn4736del) has been reported previously in association with CPVT (Medeiros-Domingo A et al., 2009). In summary, the c.512_514delAAG variant in the RYR2 gene is a good candidate for a pathogenic variant.